The following is an entry in ClinVar:

NM_152309.3(PIK3AP1):c.1092G>A (p.Ala364=)

Gene: PIK3AP1 (phosphoinositide-3-kinase adaptor protein 1; minus strand). Cytogenetic location: 10q24.1.
Variant type: single nucleotide variant.
Coding change: c.1092G>A on transcript NM_152309.3 (MANE Select); coding-DNA position 1092, G replaced by A.
Protein change: p.Ala364=; no amino-acid change (alanine 364 retained).
Molecular consequence: synonymous variant.
Genome position (GRCh38, 1-based): chr10:96,648,752, C>T on the plus strand (G>A on the coding strand, the complement: PIK3AP1 is on the minus strand). VCF-style: chr10-96648752-C-T. GRCh37 (hg19) VCF-style: chr10-98408509-C-T.
Identifiers: ClinVar variation 474912 (VCV000474912.15), dbSNP rs35035564, ClinGen allele CA5626375.

ClinVar aggregate classification (germline): Benign. Review status: criteria provided, multiple submitters, no conflicts (2 of 4 stars). 3 submissions from 3 submitters: Benign (2). 1 of the submissions does not count toward it. Last evaluated 2026-01-28.

Conditions:
PIK3AP1-related disorder. Also called: PIK3AP1-related condition.
Infantile spasms. Also called: Infantile spasm. Identifiers: MedGen C3887898, HP:0012469.

Allele frequency attached by ClinVar (database versions not stated): TOPMed 0.00631; gnomAD 0.00647; ESP Exome Variant Server 0.00692; 1000 Genomes Project 0.00919; 1000 Genomes Project 30x 0.00984.
gnomAD v4.1: 1,905 of 1,610,796 alleles (0.12%); highest among the groups gnomAD compares: African/African-American, 2.1%; 14 homozygotes.

Submissions (3):

Labcorp Genetics (formerly Invitae), Labcorp
Classification: Benign for Infantile spasms. Last evaluated: 2026-01-28. Review status: criteria provided, single submitter. Criteria: Invitae Variant Classification Sherloc (09022015). Collection method: clinical testing. Allele origin: germline.

Breakthrough Genomics
Classification: Benign. Review status: criteria provided, single submitter. Criteria: ACMG Guidelines, 2015. Collection method: not provided. Allele origin: germline. Inheritance: Unknown mechanism. Affected: yes.

PreventionGenetics, part of Exact Sciences
Classification: Benign for PIK3AP1-related condition. Last evaluated: 2019-07-01. Review status: no assertion criteria provided. Collection method: clinical testing. Allele origin: germline. Not counted in ClinVar's aggregate classification.
Comment: This variant is classified as benign based on ACMG/AMP sequence variant interpretation guidelines (Richards et al. 2015 PMID: 25741868, with internal and published modifications).